The following is an entry in ClinVar:

NM_182914.3(SYNE2):c.9366A>G (p.Gln3122=)

Gene: SYNE2 (spectrin repeat containing nuclear envelope protein 2; plus strand). Cytogenetic location: 14q23.2.
Variant type: single nucleotide variant.
Coding change: c.9366A>G on transcript NM_182914.3 (MANE Select); coding-DNA position 9366, A replaced by G.
Protein change: p.Gln3122=; no amino-acid change (glutamine 3122 retained).
Molecular consequence: synonymous variant.
Genome position (GRCh38, 1-based): chr14:64,053,279, A>G. VCF-style: chr14-64053279-A-G. GRCh37 (hg19) VCF-style: chr14-64519997-A-G.
Other names: c.9366A>G, p.Gln3122= (NM_015180.6).
Identifiers: ClinVar variation 313543 (VCV000313543.13), dbSNP rs369128922, ClinGen allele CA7221256.

ClinVar aggregate classification (germline): Benign. Review status: criteria provided, multiple submitters, no conflicts (2 of 4 stars). 2 submissions from 2 submitters: Benign (2). Last evaluated 2025-12-17.

Conditions:
Emery-Dreifuss muscular dystrophy 5, autosomal dominant (EDMD5). Also called: EMERY-DREIFUSS MUSCULAR DYSTROPHY 5. Identifiers: Orphanet 261, MedGen C2751805, MONDO:0013072, OMIM 612999.

Allele frequency attached by ClinVar (database versions not stated): gnomAD 0.00001 and 0.00011; TOPMed 0.00002; gnomAD exomes 0.00024 and 0.00045; ExAC 0.00049; 1000 Genomes Project 30x 0.00078; 1000 Genomes Project 0.00080.
gnomAD v4.1: 373 of 1,608,600 alleles (0.023%); highest among the groups gnomAD compares: South Asian, 0.4%; 3 homozygotes.

Submissions (2):

Labcorp Genetics (formerly Invitae), Labcorp
Classification: Benign for Emery-Dreifuss muscular dystrophy 5, autosomal dominant. Last evaluated: 2025-12-17. Review status: criteria provided, single submitter. Criteria: Invitae Variant Classification Sherloc (09022015). Collection method: clinical testing. Allele origin: germline.

Illumina Laboratory Services, Illumina
Classification: Benign for Emery-Dreifuss muscular dystrophy 5, autosomal dominant. Last evaluated: 2018-01-13. Review status: criteria provided, single submitter. Criteria: ICSL Variant Classification Criteria 13 December 2019. Collection method: clinical testing. Allele origin: germline.
Comment: This variant was observed in the ICSL laboratory as part of a predisposition screen in an ostensibly healthy population. It had not been previously curated by ICSL or reported in the Human Gene Mutation Database (HGMD: prior to June 1st, 2018), and was therefore a candidate for classification through an automated scoring system. Utilizing variant allele frequency, disease prevalence and penetrance estimates, and inheritance mode, an automated score was calculated to assess if this variant is too frequent to cause the disease. Based on the score and internal cut-off values, a variant classified as benign is not then subjected to further curation. The score for this variant resulted in a classification of benign for this disease.